The following is an entry in ClinVar:

ClinVar aggregate classification (germline): Likely pathogenic (1 of 4 stars; one submission).

Submission:

Labcorp Genetics (formerly Invitae), Labcorp
Classification: Likely pathogenic. Last evaluated: 2023-11-10. Review status: criteria provided, single submitter. Criteria: Invitae Variant Classification Sherloc (09022015). Collection method: clinical testing. Allele origin: germline.
Comment: This sequence change affects a donor splice site in intron 2 of the ERCC2 gene. It is expected to disrupt RNA splicing. Variants that disrupt the donor or acceptor splice site typically lead to a loss of protein function (PMID: 16199547), and loss-of-function variants in ERCC2 are known to be pathogenic (PMID: 9238033, 11335038, 19085937, 19934020). This variant is not present in population databases (gnomAD no frequency). This variant has not been reported in the literature in individuals affected with ERCC2-related conditions. Algorithms developed to predict the effect of sequence changes on RNA splicing suggest that this variant may disrupt the consensus splice site. In summary, the currently available evidence indicates that the variant is pathogenic, but additional data are needed to prove that conclusively. Therefore, this variant has been classified as Likely Pathogenic.

Literature cited by the submitters: PubMed 16199547; PubMed 9238033; PubMed 11335038; PubMed 19085937; PubMed 19934020.

NM_000400.4(ERCC2):c.105+1G>T

Gene: ERCC2 (ERCC excision repair 2, TFIIH core complex helicase subunit; minus strand). Cytogenetic location: 19q13.32.
Variant type: single nucleotide variant.
Coding change: c.105+1G>T on transcript NM_000400.4 (MANE Select); the canonical splice donor site of the intron after coding-DNA position 105, G replaced by T.
Molecular consequence: splice donor variant.
Genome position (GRCh38, 1-based): chr19:45,370,132, C>A on the plus strand (G>T on the coding strand, the complement: ERCC2 is on the minus strand). VCF-style: chr19-45370132-C-A. GRCh37 (hg19) VCF-style: chr19-45873390-C-A.
Other names: c.33+1G>T (NM_001130867.2).
Identifiers: ClinVar variation 2694648 (VCV002694648.3), dbSNP rs2514048317, ClinGen allele CA406379835.